The following is an entry in ClinVar:

ClinVar aggregate classification (germline): Likely pathogenic (1 of 4 stars; one submission).

Conditions:
Muscular dystrophy-dystroglycanopathy (congenital with brain and eye anomalies), type A14. Also called: Congenital Muscular Dystrophy-Dystroglycanopathy with Brain and Eye Anomalies Type A 14; Congenital muscular dystrophy-dystroglycanopathy with brain and eye anomalies, type A14; WALKER-WARBURG SYNDROME OR MUSCLE-EYE-BRAIN DISEASE, GMPPB-RELATED; Muscular dystrophy-dystroglycanopathy (congenital with brain and eye anomalies), type a, 14. Identifiers: Orphanet 588, MedGen C3809216, MONDO:0014140, OMIM 615350.

Submission:

Victorian Clinical Genetics Services, Murdoch Childrens Research Institute
Classification: Likely pathogenic for Muscular dystrophy-dystroglycanopathy (congenital with brain and eye anomalies), type A14. Last evaluated: 2025-01-31. Review status: criteria provided, single submitter. Criteria: ACMG Guidelines, 2015. Collection method: clinical testing. Allele origin: germline. Affected: yes.
Comment: This variant is classified as Likely pathogenic. Evidence in support of pathogenic classification: Variant is absent from gnomAD (v2, v3 and v4); This variant has limited evidence for segregation with disease. Within one family, it has been observed as homozygous in two affected siblings and heterozygous or absent in four unaffected siblings (personal communication); Another missense variant comparable to the one identified in this case has limited previous evidence for pathogenicity. p.(Pro241Ser) has been observed in an individual with limb-girdle muscular dystrophy and intellectual disability (PMID: 26310427); Strong phenotype match for this individual. Additional information: Variant is predicted to result in a missense amino acid change from proline to threonine; This variant is homozygous; This gene is associated with autosomal recessive disease; An alternative amino acid change at the same position has been observed in gnomAD (v4; 1 heterozygote, 0 homozygotes); This variant has no previous evidence of pathogenicity; No published functional evidence has been identified for this variant; Variant is not located in an established domain, motif, hotspot or informative constraint region; Missense variant with inconclusive in silico prediction and uninformative conservation; Loss of function is a known mechanism of disease in this gene and is associated with muscular dystrophy-dystroglycanopathy (congenital with brain and eye anomalies), type A, 14 (MIM#615350), muscular dystrophy-dystroglycanopathy (congenital with impaired intellectual development), type B, 14 (MIM#615351), and muscular dystrophy-dystroglycanopathy (limb-girdle), type C, 14 (MIM#615352).

Literature cited by the submitters: PubMed 26310427.

NM_021971.4(GMPPB):c.721C>A (p.Pro241Thr)

Gene: GMPPB (GDP-mannose pyrophosphorylase B; minus strand). Cytogenetic location: 3p21.31.
Variant type: single nucleotide variant.
Coding change: c.721C>A on transcript NM_021971.4 (MANE Select); coding-DNA position 721, C replaced by A.
Protein change: p.Pro241Thr; replaces proline 241 with threonine.
Molecular consequence: missense variant.
Genome position (GRCh38, 1-based): chr3:49,722,278, G>T on the plus strand (C>A on the coding strand, the complement: GMPPB is on the minus strand). VCF-style: chr3-49722278-G-T. GRCh37 (hg19) VCF-style: chr3-49759711-G-T.
Other names: c.721C>A, p.Pro241Thr (NM_013334.4); short protein forms P241T.
Identifiers: ClinVar variation 3377065 (VCV003377065.3).
Genomic context (GRCh38, chr3:49,722,278, plus strand): 5'-GCAAGGGCCTCACCACCAGCACGTTGCCCACAATGCCAGGGCCTGAGCACAGCCGCTCAG[G>T]CTGCTTCTGCCTCAGTGACTGCAGGAAGAGGCACATGCCAGTGAGGAAGTCCTTGGGCTG-3'
Protein context (NP_068806.2, residues 231-251): LFLQSLRQKQ[Pro241Thr]ERLCSGPGIV